The following is an entry in ClinVar:

NM_001130438.3(SPTAN1):c.6148G>A (p.Ala2050Thr)

Gene: SPTAN1 (spectrin alpha, non-erythrocytic 1; plus strand). Cytogenetic location: 9q34.11.
Variant type: single nucleotide variant.
Coding change: c.6148G>A on transcript NM_001130438.3 (MANE Select); coding-DNA position 6148, G replaced by A.
Protein change: p.Ala2050Thr; replaces alanine 2050 with threonine.
Molecular consequence: missense variant.
Genome position (GRCh38, 1-based): chr9:128,625,847, G>A. VCF-style: chr9-128625847-G-A. GRCh37 (hg19) VCF-style: chr9-131388126-G-A.
Other names: p.A2050T:GCC>ACC; c.6073G>A, p.Ala2025Thr (NM_001195532.2); c.6148G>A, p.Ala2050Thr (NM_001363759.2); c.6088G>A, p.Ala2030Thr (NM_001363765.2); c.6133G>A, p.Ala2045Thr (NM_003127.4); short protein forms A2050T, A2030T, A2045T, A2025T.
Identifiers: ClinVar variation 207299 (VCV000207299.10), dbSNP rs762645157, ClinGen allele CA318633.
Genomic context (GRCh38, chr9:128,625,847, plus strand): 5'-CTGCAGGCCTTCCAGCAGGAAGGCATTGCCAACATCACTGCCCTCAAAGATCAGCTTCTC[G>A]CCGCCAAACACGTTCAGTCCAAGGCCATCGAGGCCCGGCACGCCTCCCTCATGAAGAGGT-3'
Protein context (NP_001123910.1, residues 2040-2060): NITALKDQLL[Ala2050Thr]AKHVQSKAIE

ClinVar aggregate classification (germline): Conflicting classifications of pathogenicity. Review status: criteria provided, conflicting classifications (1 of 4 stars). 3 submissions from 3 submitters: Uncertain significance (2); Likely benign (1). Last evaluated 2025-05-29.

Conditions:
Inborn genetic diseases. Identifiers: MedGen C0950123, MeSH D030342.
Early-infantile DEE. Also called: Early infantile epileptic encephalopathy; Ohtahara syndrome; Early infantile epileptic encephalopathy with suppression bursts. Identifiers: Orphanet 1934, MedGen C0393706, MONDO:0800491.

Allele frequency attached by ClinVar (database versions not stated): gnomAD 0.00001; gnomAD exomes 0.00001 and 0.00002; TOPMed 0.00001; ExAC 0.00002.
gnomAD v4.1: 15 of 1,614,014 alleles (0.00093%); highest among the groups gnomAD compares: East Asian, 0.0022%; no homozygotes.

Submissions (3):

Labcorp Genetics (formerly Invitae), Labcorp
Classification: Uncertain significance for Early-infantile DEE. Last evaluated: 2025-05-29. Review status: criteria provided, single submitter. Criteria: Invitae Variant Classification Sherloc (09022015). Collection method: clinical testing. Allele origin: germline.
Comment: This sequence change replaces alanine, which is neutral and non-polar, with threonine, which is neutral and polar, at codon 2050 of the SPTAN1 protein (p.Ala2050Thr). This variant is present in population databases (rs762645157, gnomAD 0.008%). This variant has not been reported in the literature in individuals affected with SPTAN1-related conditions. ClinVar contains an entry for this variant (Variation ID: 207299). Invitae Evidence Modeling of protein sequence and biophysical properties (such as structural, functional, and spatial information, amino acid conservation, physicochemical variation, residue mobility, and thermodynamic stability) has been performed for this missense variant. However, the output from this modeling did not meet the statistical confidence thresholds required to predict the impact of this variant on SPTAN1 protein function. In summary, the available evidence is currently insufficient to determine the role of this variant in disease. Therefore, it has been classified as a Variant of Uncertain Significance.

Ambry Genetics
Classification: Uncertain significance for Inborn genetic diseases. Last evaluated: 2024-06-26. Review status: criteria provided, single submitter. Criteria: Ambry Variant Classification Scheme 2023. Collection method: clinical testing. Allele origin: germline.

GeneDx
Classification: Likely benign. Last evaluated: 2013-05-01. Review status: criteria provided, single submitter. Criteria: GeneDx Variant Classification (06012015). Collection method: clinical testing. Allele origin: germline. Affected: yes.
Comment: This variant is considered likely benign or benign based on one or more of the following criteria: it is a conservative change, it occurs at a poorly conserved position in the protein, it is predicted to be benign by multiple in silico algorithms, and/or has population frequency not consistent with disease.